The following is an entry in ClinVar:

ClinVar aggregate classification (germline): Uncertain significance. Review status: criteria provided, multiple submitters, no conflicts (2 of 4 stars). 2 submissions from 2 submitters: Uncertain significance (2). Last evaluated 2025-11-24.

Conditions:
Primary failure of tooth eruption. Also called: DENTAL NONERUPTION; PRIMARY RETENTION OF TEETH; UNERUPTED SECOND PRIMARY MOLAR; POSTERIOR OPENBITE MALOCCLUSION, FAMILIAL. Identifiers: Orphanet 412206, MedGen C1852222, MONDO:0007434, OMIM 125350.
Chondrodysplasia Blomstrand type (BOCD). Identifiers: Orphanet 50945, MedGen C1859148, MONDO:0008970, OMIM 215045.
Eiken syndrome (EKNS). Also called: BONE MODELING DEFECT OF HANDS AND FEET. Identifiers: Orphanet 79106, MedGen C1838779, MONDO:0010803, OMIM 600002.
Metaphyseal chondrodysplasia, Jansen type. Also called: PTH1R-Related Jansen Metaphyseal Chondrodysplasia; Metaphyseal chondrodysplasia Murk Jansen type. Identifiers: Orphanet 33067, MedGen C0265295, MONDO:0007982, OMIM 156400.

Allele frequency attached by ClinVar (database versions not stated): TOPMed 0.00003; gnomAD 0.00005; gnomAD exomes 0.00006; ExAC 0.00011; ESP Exome Variant Server 0.00015.
gnomAD v4.1: 40 of 1,570,166 alleles (0.0025%); highest among the groups gnomAD compares: East Asian, 0.028%; no homozygotes.

Submissions (2):

Labcorp Genetics (formerly Invitae), Labcorp
Classification: Uncertain significance. Last evaluated: 2025-11-24. Review status: criteria provided, single submitter. Criteria: Invitae Variant Classification Sherloc (09022015). Collection method: clinical testing. Allele origin: germline.
Comment: This sequence change replaces isoleucine, which is neutral and non-polar, with threonine, which is neutral and polar, at codon 371 of the PTH1R protein (p.Ile371Thr). This variant is present in population databases (rs140414216, gnomAD 0.06%). This variant has not been reported in the literature in individuals affected with PTH1R-related conditions. ClinVar contains an entry for this variant (Variation ID: 1014462). Invitae Evidence Modeling of protein sequence and biophysical properties (such as structural, functional, and spatial information, amino acid conservation, physicochemical variation, residue mobility, and thermodynamic stability) indicates that this missense variant is not expected to disrupt PTH1R protein function with a negative predictive value of 80%. In summary, the available evidence is currently insufficient to determine the role of this variant in disease. Therefore, it has been classified as a Variant of Uncertain Significance.

Fulgent Genetics
Classification: Uncertain significance for Primary failure of tooth eruption; Metaphyseal chondrodysplasia, Jansen type; Chondrodysplasia Blomstrand type; Eiken syndrome. Last evaluated: 2021-12-07. Review status: criteria provided, single submitter. Criteria: ACMG Guidelines, 2015. Collection method: clinical testing. Allele origin: unknown.

NM_000316.3(PTH1R):c.1112T>C (p.Ile371Thr)

Gene: PTH1R (parathyroid hormone 1 receptor; plus strand). Cytogenetic location: 3p21.31.
Variant type: single nucleotide variant.
Coding change: c.1112T>C on transcript NM_000316.3 (MANE Select); coding-DNA position 1112, T replaced by C.
Protein change: p.Ile371Thr; replaces isoleucine 371 with threonine.
Molecular consequence: missense variant.
Genome position (GRCh38, 1-based): chr3:46,901,476, T>C. VCF-style: chr3-46901476-T-C. GRCh37 (hg19) VCF-style: chr3-46942966-T-C.
Other names: c.1112T>C, p.Ile371Thr (NM_001184744.1); short protein forms I371T.
Identifiers: ClinVar variation 1014462 (VCV001014462.6), dbSNP rs140414216, ClinGen allele CA2359400.